The following is an entry in ClinVar:

ClinVar aggregate classification (germline): Conflicting classifications of pathogenicity. Review status: criteria provided, conflicting classifications (1 of 4 stars). 2 submissions from 2 submitters: Pathogenic (1); Uncertain significance (1). Last evaluated 2025-08-28.

Conditions:
Autosomal recessive limb-girdle muscular dystrophy type 2D (LGMDR3). Also called: DUCHENNE-LIKE AUTOSOMAL RECESSIVE MUSCULAR DYSTROPHY, TYPE 2; MUSCULAR DYSTROPHY, LIMB-GIRDLE, AUTOSOMAL RECESSIVE 3; ADHALINOPATHY, PRIMARY. Identifiers: Orphanet 62, MedGen C2936332, MONDO:0011968, OMIM 608099. Disease mechanism: Affects gamma-sarcoglycan and also disrupts the integrity of the entire sarcoglycan complex..

Allele frequency attached by ClinVar (database versions not stated): TOPMed 0.00002.
gnomAD v4.1: 3 of 1,611,560 alleles (0.00019%); highest among the groups gnomAD compares: African/African-American, 0.0027%; no homozygotes.

Submissions (2):

Labcorp Genetics (formerly Invitae), Labcorp
Classification: Pathogenic for Autosomal recessive limb-girdle muscular dystrophy type 2D. Last evaluated: 2025-08-28. Review status: criteria provided, single submitter. Criteria: Invitae Variant Classification Sherloc (09022015). Collection method: clinical testing. Allele origin: germline.
Comment: This sequence change replaces arginine, which is basic and polar, with proline, which is neutral and non-polar, at codon 98 of the SGCA protein (p.Arg98Pro). This variant is not present in population databases (gnomAD no frequency). This missense change has been observed in individual(s) with clinical features of limb-girdle muscular dystrophy (internal data). In at least one individual the data is consistent with being in trans (on the opposite chromosome) from a pathogenic variant. ClinVar contains an entry for this variant (Variation ID: 283227). Invitae Evidence Modeling of protein sequence and biophysical properties (such as structural, functional, and spatial information, amino acid conservation, physicochemical variation, residue mobility, and thermodynamic stability) indicates that this missense variant is expected to disrupt SGCA protein function with a positive predictive value of 95%. This variant disrupts the p.Arg98 amino acid residue in SGCA. Other variant(s) that disrupt this residue have been determined to be pathogenic (PMID: 7668821, 8069911, 22095924, 27120200). This suggests that this residue is clinically significant, and that variants that disrupt this residue are likely to be disease-causing. For these reasons, this variant has been classified as Pathogenic.

Eurofins Ntd Llc (ga)
Classification: Uncertain significance. Last evaluated: 2015-09-04. Review status: criteria provided, single submitter. Criteria: EGL Classification Definitions 2015. Collection method: clinical testing. Allele origin: germline. Observed: 1 variant allele, 1 heterozygote.

Literature cited by the submitters: PubMed 7668821 (cited by Labcorp Genetics (formerly Invitae), Labcorp); PubMed 8069911 (cited by Labcorp Genetics (formerly Invitae), Labcorp); PubMed 22095924 (cited by Labcorp Genetics (formerly Invitae), Labcorp); PubMed 27120200 (cited by Labcorp Genetics (formerly Invitae), Labcorp).

NM_000023.4(SGCA):c.293G>C (p.Arg98Pro)

Gene: SGCA (sarcoglycan alpha; plus strand). Cytogenetic location: 17q21.33.
Variant type: single nucleotide variant.
Coding change: c.293G>C on transcript NM_000023.4 (MANE Select); coding-DNA position 293, G replaced by C.
Protein change: p.Arg98Pro; replaces arginine 98 with proline.
Molecular consequence: missense variant. On other transcripts: non-coding transcript variant (1).
Genome position (GRCh38, 1-based): chr17:50,167,717, G>C. VCF-style: chr17-50167717-G-C. GRCh37 (hg19) VCF-style: chr17-48245078-G-C.
Other names: c.293G>C, p.Arg98Pro (NM_001135697.3); short protein forms R98P.
Identifiers: ClinVar variation 283227 (VCV000283227.11), dbSNP rs137852621, ClinGen allele CA10604429.